The following is an entry in ClinVar:

NM_001080453.3(INTS1):c.2598G>A (p.Leu866=)

Gene: INTS1 (integrator complex subunit 1; minus strand). Cytogenetic location: 7p22.3.
Variant type: single nucleotide variant.
Coding change: c.2598G>A on transcript NM_001080453.3 (MANE Select); coding-DNA position 2598, G replaced by A.
Protein change: p.Leu866=; no amino-acid change (leucine 866 retained).
Molecular consequence: synonymous variant.
Genome position (GRCh38, 1-based): chr7:1,487,368, C>T on the plus strand (G>A on the coding strand, the complement: INTS1 is on the minus strand). VCF-style: chr7-1487368-C-T. GRCh37 (hg19) VCF-style: chr7-1527004-C-T.
Identifiers: ClinVar variation 3906001 (VCV003906001.10).
Genomic context (GRCh38, chr7:1,487,368, plus strand): 5'-CTCGGCACTCACCTGCCGCTGGATGATGTGGAGGAGAAAGTCAGGGTTTCGGCTGCGGCA[C>T]AAGAGGTGCCCGAGGCGGAGGGACTGGTTGAGGCTTTTCACTTGATCCAGGATGTGAGGG-3'
Protein context (NP_001073922.2, residues 856-876): LNQSLRLGHL[Leu866=]CRSRNPDFLL

ClinVar aggregate classification (germline): Likely benign (1 of 4 stars; one submission).

gnomAD v4.1: 4 of 1,609,992 alleles (0.00025%); highest among the groups gnomAD compares: African/African-American, 0.004%; no homozygotes.

Submission:

CeGaT Center for Human Genetics Tuebingen
Classification: Likely benign. Last evaluated: 2025-06-01. Review status: criteria provided, single submitter. Criteria: CeGaT Center For Human Genetics Tuebingen Variant Classification Criteria Version 2. Collection method: clinical testing. Allele origin: germline. Affected: yes. Observed: 1 variant allele.
Comment: INTS1: BP4, BP7